The following is an entry in ClinVar:

NM_006709.5(EHMT2):c.3229G>A (p.Ala1077Thr)

Genes: EHMT2 (euchromatic histone lysine methyltransferase 2; minus strand), EHMT2-AS1 (EHMT2 and SLC44A4 antisense RNA 1; plus strand). Cytogenetic location: 6p21.33.
Variant type: single nucleotide variant.
Coding change: c.3229G>A on transcript NM_006709.5 (MANE Select); coding-DNA position 3229, G replaced by A.
Protein change: p.Ala1077Thr; replaces alanine 1077 with threonine.
Molecular consequence: missense variant. On other transcripts: non-coding transcript variant (1).
Genome position (GRCh38, 1-based): chr6:31,881,061, C>T on the plus strand (G>A on the coding strand, the complement: EHMT2 is on the minus strand). VCF-style: chr6-31881061-C-T. GRCh37 (hg19) VCF-style: chr6-31848838-C-T.
Other names: p.A1077T; c.3127G>A, p.Ala1043Thr (NM_025256.7); c.3298G>A, p.Ala1100Thr (NM_001289413.2); c.2623G>A, p.Ala875Thr (NM_001318833.2); c.3400G>A, p.Ala1134Thr (NM_001363689.2); c.3250G>A, p.Ala1084Thr (NM_001395160.1); c.3166G>A, p.Ala1056Thr (NM_001395161.1); c.3151G>A, p.Ala1051Thr (NM_001395162.1); and 3 more; short protein forms A1042T, A1043T, A1050T, A1051T, A1056T, A1077T, A1084T, A1100T.
Identifiers: ClinVar variation 4813307 (VCV004813307.2).

ClinVar aggregate classification (germline): Pathogenic. Review status: criteria provided, multiple submitters, no conflicts (2 of 4 stars). 2 submissions from 2 submitters: Pathogenic (2). Last evaluated 2025-09-26.

Conditions:
EHMT2-related Kleefstra-like syndrome.
Kleefstra-like syndrome.

Submissions (2):

Undiagnosed Diseases Network, NIH
Classification: Pathogenic for EHMT2-related Kleefstra-like syndrome. Last evaluated: 2025-09-26. Review status: criteria provided, single submitter. Criteria: ACMG Guidelines, 2015. Collection method: clinical testing. Allele origin: de novo. Inheritance: Autosomal dominant inheritance. Affected: yes. Observed: 1 variant allele, 1 heterozygote. Study: Undiagnosed Diseases Network (NIH), UDN.

Spanish Undiagnosed Rare Disease Program-IIER, Instituto de Salud Carlos III
Classification: Pathogenic for Kleefstra-like syndrome. Last evaluated: 2025-07-07. Review status: criteria provided, single submitter. Criteria: ACMG Guidelines, 2015. Collection method: clinical testing. Allele origin: de novo. Inheritance: Autosomal dominant inheritance. Affected: yes.
Comment: De-novo variant not present in the databases, episignature profile overlaping with Kleefstra syndrome and clustering together with other EHMT2 pathogenic variants, histone modification and transcriptome analyses resembling Kleefstra syndrome, structural and biochemical analyses showing loss of enzymatic activity, mouse model recapitulating some major features of patients` phenotype